The following is an entry in ClinVar:

NM_005591.4(MRE11):c.88_89delinsTT (p.Ala30Leu)

Gene: MRE11 (MRE11 double strand break repair nuclease; minus strand). Cytogenetic location: 11q21.
Variant type: Indel.
Coding change: c.88_89delinsTT on transcript NM_005591.4 (MANE Select); coding-DNA positions 88 to 89, GC replaced by TT.
Protein change: p.Ala30Leu; replaces alanine 30 with leucine.
Molecular consequence: missense variant.
Genome position (GRCh38, 1-based): chr11:94,490,897-94,490,898, GC replaced by AA on the plus strand (GC replaced by TT on the coding strand, the reverse complement: MRE11 is on the minus strand). VCF-style: chr11-94490897-GC-AA. GRCh37 (hg19) VCF-style: chr11-94224063-GC-AA.
Other names: c.88_89delinsTT, p.Ala30Leu (NM_001330347.2, NM_005590.4); short protein forms A30L.
Identifiers: ClinVar variation 822752 (VCV000822752.4), dbSNP rs1591726665, ClinGen allele CA915948384.

ClinVar aggregate classification (germline): Uncertain significance (1 of 4 stars; one submission).

Conditions:
Hereditary cancer-predisposing syndrome. Also called: Tumor predisposition; Hereditary Cancer Syndrome; Neoplastic Syndromes, Hereditary; Hereditary neoplastic syndrome. Identifiers: Orphanet 140162, MedGen C0027672, MeSH D009386, MONDO:0015356.

Submission:

Ambry Genetics
Classification: Uncertain significance for Hereditary cancer-predisposing syndrome. Last evaluated: 2019-01-23. Review status: criteria provided, single submitter. Criteria: Ambry Variant Classification Scheme 2023. Collection method: clinical testing. Allele origin: germline.
Comment: The c.88_89delGCinsTT variant, located in coding exon 2 of the MRE11A gene, results from an in-frame deletion of GC and insertion of TT at nucleotide positions 88 to 89. This results in the substitution of the alanine residue for a leucine residue at codon 30, an amino acid with similar properties. This amino acid position is well conserved in available vertebrate species. Since supporting evidence is limited at this time, the clinical significance of this alteration remains unclear.